The following is an entry in ClinVar:

ClinVar aggregate classification (germline): Uncertain significance (1 of 4 stars; one submission).

Submission:

Labcorp Genetics (formerly Invitae), Labcorp
Classification: Uncertain significance. Last evaluated: 2022-06-13. Review status: criteria provided, single submitter. Criteria: Invitae Variant Classification Sherloc (09022015). Collection method: clinical testing. Allele origin: germline.
Comment: This variant has not been reported in the literature in individuals affected with PRDM13-related conditions. In summary, the available evidence is currently insufficient to determine the role of this variant in disease. Therefore, it has been classified as a Variant of Uncertain Significance. Algorithms developed to predict the effect of missense changes on protein structure and function (SIFT, PolyPhen-2, Align-GVGD) all suggest that this variant is likely to be disruptive. This variant is not present in population databases (gnomAD no frequency). This sequence change replaces glycine, which is neutral and non-polar, with cysteine, which is neutral and slightly polar, at codon 251 of the PRDM13 protein (p.Gly251Cys).

NM_021620.4(PRDM13):c.751G>T (p.Gly251Cys)

Gene: PRDM13 (PR/SET domain 13; plus strand). Cytogenetic location: 6q16.2.
Variant type: single nucleotide variant.
Coding change: c.751G>T on transcript NM_021620.4 (MANE Select); coding-DNA position 751, G replaced by T.
Protein change: p.Gly251Cys; replaces glycine 251 with cysteine.
Molecular consequence: missense variant.
Genome position (GRCh38, 1-based): chr6:99,613,386, G>T. VCF-style: chr6-99613386-G-T. GRCh37 (hg19) VCF-style: chr6-100061262-G-T.
Other names: short protein forms G251C.
Identifiers: ClinVar variation 2005471 (VCV002005471.4), dbSNP rs1212804041, ClinGen allele CA365116146.